The following is an entry in ClinVar:

ClinVar aggregate classification (germline): Uncertain significance. Review status: criteria provided, multiple submitters, no conflicts (2 of 4 stars). 2 submissions from 2 submitters: Uncertain significance (2). Last evaluated 2025-06-23.

Conditions:
Inborn genetic diseases. Identifiers: MedGen C0950123, MeSH D030342.

Allele frequency attached by ClinVar (database versions not stated): gnomAD exomes below 0.00001.
gnomAD v4.1: 7 of 1,614,140 alleles (0.00043%); highest among the groups gnomAD compares: Non-Finnish European, 0.00051%; no homozygotes.

Submissions (2):

Ambry Genetics
Classification: Uncertain significance for Inborn genetic diseases. Last evaluated: 2025-06-23. Review status: criteria provided, single submitter. Criteria: Ambry Variant Classification Scheme 2023. Collection method: clinical testing. Allele origin: germline.

Labcorp Genetics (formerly Invitae), Labcorp
Classification: Uncertain significance. Last evaluated: 2021-10-09. Review status: criteria provided, single submitter. Criteria: Invitae Variant Classification Sherloc (09022015). Collection method: clinical testing. Allele origin: germline.
Comment: This sequence change replaces threonine with isoleucine at codon 438 of the RP1 protein (p.Thr438Ile). The threonine residue is moderately conserved and there is a moderate physicochemical difference between threonine and isoleucine. This variant is not present in population databases (ExAC no frequency). This variant has not been reported in the literature in individuals affected with RP1-related conditions. Algorithms developed to predict the effect of missense changes on protein structure and function output the following: SIFT: "Deleterious"; PolyPhen-2: "Benign"; Align-GVGD: "Class C15". The isoleucine amino acid residue is found in multiple mammalian species, which suggests that this missense change does not adversely affect protein function. In summary, the available evidence is currently insufficient to determine the role of this variant in disease. Therefore, it has been classified as a Variant of Uncertain Significance.

NM_006269.2(RP1):c.1313C>T (p.Thr438Ile)

Gene: RP1 (RP1 axonemal microtubule associated; plus strand). Cytogenetic location: 8q12.1.
Variant type: single nucleotide variant.
Coding change: c.1313C>T on transcript NM_006269.2 (MANE Select); coding-DNA position 1313, C replaced by T.
Protein change: p.Thr438Ile; replaces threonine 438 with isoleucine.
Molecular consequence: missense variant. On other transcripts: intron variant (1).
Genome position (GRCh38, 1-based): chr8:54,625,195, C>T. VCF-style: chr8-54625195-C-T. GRCh37 (hg19) VCF-style: chr8-55537755-C-T.
Other names: c.1313C>T (NM_006269.1); c.787+2907C>T (NM_001375654.1); short protein forms T438I.
Identifiers: ClinVar variation 1372114 (VCV001372114.8), dbSNP rs1451687014, ClinGen allele CA370989931.